The following is an entry in ClinVar:

NM_138927.4(SON):c.5894_5962del (p.Arg1965_Thr1987del)

Gene: SON (SON DNA and RNA binding protein; plus strand). Cytogenetic location: 21q22.11.
Variant type: Deletion.
Coding change: c.5894_5962del on transcript NM_138927.4 (MANE Select); coding-DNA positions 5894 to 5962, 69 bases deleted.
Protein change: p.Arg1965_Thr1987del.
Molecular consequence: non-coding transcript variant (on NR_103797.2). On other transcripts: intron variant (1).
Genome position (GRCh38, 1-based): chr21:33,555,125-33,555,193, 69 bases deleted. GRCh37 (hg19): chr21:34,927,431-34,927,499.
Other names: c.5894_5962del, p.Arg1965_Thr1987del (NM_001291411.2, NM_032195.3); c.245-2031_245-1963del (NM_001291412.3).
Identifiers: ClinVar variation 3771921 (VCV003771921.13).

ClinVar aggregate classification (germline): Uncertain significance (1 of 4 stars; one submission).

Submission:

CeGaT Center for Human Genetics Tuebingen
Classification: Uncertain significance. Last evaluated: 2024-12-01. Review status: criteria provided, single submitter. Criteria: CeGaT Center For Human Genetics Tuebingen Variant Classification Criteria Version 2. Collection method: clinical testing. Allele origin: germline. Affected: yes. Observed: 1 variant allele.
Comment: SON: PM2, PM4